The following is an entry in ClinVar:

ClinVar aggregate classification (germline): Pathogenic (1 of 4 stars; one submission).

Conditions:
Mitochondrial complex II deficiency, nuclear type 1. Also called: SUCCINATE CoQ REDUCTASE DEFICIENCY. Identifiers: Orphanet 3208, MedGen C5700310, MONDO:0100294, OMIM 252011.
Pheochromocytoma/paraganglioma syndrome 5. Also called: Paragangliomas 5; SDHA-Related Hereditary Paraganglioma-Pheochromocytoma Syndrome. Identifiers: Orphanet 29072, MedGen C3279992, MONDO:0013602, OMIM 614165.

Submission:

Labcorp Genetics (formerly Invitae), Labcorp
Classification: Pathogenic for Pheochromocytoma/paraganglioma syndrome 5; Mitochondrial complex II deficiency, nuclear type 1. Last evaluated: 2026-01-24. Review status: criteria provided, single submitter. Criteria: Invitae Variant Classification Sherloc (09022015). Collection method: clinical testing. Allele origin: germline.
Comment: This sequence change creates a premature translational stop signal (p.Cys189*) in the SDHA gene. It is expected to result in an absent or disrupted protein product. Loss-of-function variants in SDHA are known to be pathogenic (PMID: 22974104, 24781757). This variant is not present in population databases (gnomAD no frequency). This variant has not been reported in the literature in individuals affected with SDHA-related conditions. For these reasons, this variant has been classified as Pathogenic.

Literature cited by the submitters: PubMed 22974104; PubMed 24781757.

NM_004168.4(SDHA):c.567C>A (p.Cys189Ter)

Gene: SDHA (succinate dehydrogenase complex flavoprotein subunit A; plus strand). Cytogenetic location: 5p15.33.
Variant type: single nucleotide variant.
Coding change: c.567C>A on transcript NM_004168.4 (MANE Select); coding-DNA position 567, C replaced by A.
Protein change: p.Cys189Ter; replaces cysteine 189 with a stop codon.
Molecular consequence: nonsense.
Genome position (GRCh38, 1-based): chr5:225,993, C>A. VCF-style: chr5-225993-C-A. GRCh37 (hg19) VCF-style: chr5-226108-C-A.
Other names: c.423C>A, p.Cys141Ter (NM_001294332.2); c.567C>A, p.Cys189Ter (NM_001330758.2); short protein forms C141*, C189*.
Identifiers: ClinVar variation 4787309 (VCV004787309.1).